The following is an entry in ClinVar:

NM_025009.5(CEP135):c.2272G>A (p.Ala758Thr)

Gene: CEP135 (centrosomal protein 135; plus strand). Cytogenetic location: 4q12.
Variant type: single nucleotide variant.
Coding change: c.2272G>A on transcript NM_025009.5 (MANE Select); coding-DNA position 2272, G replaced by A.
Protein change: p.Ala758Thr; replaces alanine 758 with threonine.
Molecular consequence: missense variant.
Genome position (GRCh38, 1-based): chr4:55,999,637, G>A. VCF-style: chr4-55999637-G-A. GRCh37 (hg19) VCF-style: chr4-56865803-G-A.
Other names: short protein forms A758T.
Identifiers: ClinVar variation 2114568 (VCV002114568.4), dbSNP rs2475348175, ClinGen allele CA356961056.

ClinVar aggregate classification (germline): Uncertain significance (1 of 4 stars; one submission).

Submission:

Labcorp Genetics (formerly Invitae), Labcorp
Classification: Uncertain significance. Last evaluated: 2024-02-23. Review status: criteria provided, single submitter. Criteria: Invitae Variant Classification Sherloc (09022015). Collection method: clinical testing. Allele origin: germline.
Comment: This sequence change replaces alanine, which is neutral and non-polar, with threonine, which is neutral and polar, at codon 758 of the CEP135 protein (p.Ala758Thr). This variant is not present in population databases (gnomAD no frequency). This variant has not been reported in the literature in individuals affected with CEP135-related conditions. ClinVar contains an entry for this variant (Variation ID: 2114568). Algorithms developed to predict the effect of missense changes on protein structure and function output the following: SIFT: "Not Available"; PolyPhen-2: "Benign"; Align-GVGD: "Not Available". The threonine amino acid residue is found in multiple mammalian species, which suggests that this missense change does not adversely affect protein function. In summary, the available evidence is currently insufficient to determine the role of this variant in disease. Therefore, it has been classified as a Variant of Uncertain Significance.